The following is an entry in ClinVar:

NM_004715.5(CTDP1):c.314+7111G>T

Gene: CTDP1 (CTD phosphatase 1; plus strand). Cytogenetic location: 18q23.
Variant type: single nucleotide variant.
Coding change: c.314+7111G>T on transcript NM_004715.5 (MANE Select); 7111 bases into the intron after coding-DNA position 314, G replaced by T.
Molecular consequence: intron variant.
Genome position (GRCh38, 1-based): chr18:79,687,372, G>T. VCF-style: chr18-79687372-G-T. GRCh37 (hg19) VCF-style: chr18-77447372-G-T.
Other names: c.314+7111G>T (NM_001318511.2, NM_048368.4); c.-44+5855G>T (NM_001202504.1).
Identifiers: ClinVar variation 1711455 (VCV001711455.30), dbSNP rs56870563, ClinGen allele CA303777938.

ClinVar aggregate classification (germline): Benign (1 of 4 stars; one submission).

Submission:

CeGaT Center for Human Genetics Tuebingen
Classification: Benign. Last evaluated: 2022-08-01. Review status: criteria provided, single submitter. Criteria: CeGaT Center For Human Genetics Tuebingen Variant Classification Criteria Version 2. Collection method: clinical testing. Allele origin: germline. Affected: yes. Observed: 1 variant allele.
Comment: CTDP1: BS1, BS2